The following is an entry in ClinVar:

NC_000016.9:g.(?_2105383)_(2124410_?)del

Gene: TSC2 (TSC complex subunit 2; plus strand). Cytogenetic location: 16p13.3.
Variant type: Deletion.
Identifiers: ClinVar variation 2423292 (VCV002423292.4).

ClinVar aggregate classification (germline): Pathogenic (1 of 4 stars; one submission).

Conditions:
Tuberous sclerosis 2 (TSC2). Identifiers: Orphanet 805, MedGen C1860707, MONDO:0013199, OMIM 613254.

Submission:

Labcorp Genetics (formerly Invitae), Labcorp
Classification: Pathogenic for Tuberous sclerosis 2. Last evaluated: 2022-07-14. Review status: criteria provided, single submitter. Criteria: Invitae Variant Classification Sherloc (09022015). Collection method: clinical testing. Allele origin: germline.
Comment: For these reasons, this variant has been classified as Pathogenic. This variant disrupts a region of the TSC2 protein in which other variant(s) (p.Leu219Pro) have been determined to be pathogenic (PMID: 21309039, 32211034). This suggests that this is a clinically significant region of the protein, and that variants that disrupt it are likely to be disease-causing. This variant has not been reported in the literature in individuals affected with TSC2-related conditions. This variant is a gross deletion of the genomic region encompassing exon(s) 6-22 of the TSC2 gene. This variant would be expected to be in-frame, preserving the integrity of the reading frame.

Literature cited by the submitters: PubMed 21309039; PubMed 32211034.